The following is an entry in ClinVar:

NM_000059.4(BRCA2):c.9201A>G (p.Pro3067=)

Gene: BRCA2 (BRCA2 DNA repair associated; plus strand). Cytogenetic location: 13q13.1.
Variant type: single nucleotide variant.
Coding change: c.9201A>G on transcript NM_000059.4 (MANE Select); coding-DNA position 9201, A replaced by G.
Protein change: p.Pro3067=; no amino-acid change (proline 3067 retained).
Molecular consequence: synonymous variant.
Genome position (GRCh38, 1-based): chr13:32,380,090, A>G. VCF-style: chr13-32380090-A-G. GRCh37 (hg19) VCF-style: chr13-32954227-A-G.
Other names: NP_000050.3:p.Pro3067=.
Identifiers: ClinVar variation 427549 (VCV000427549.40), dbSNP rs774425707, ClinGen allele CA6941355.

ClinVar aggregate classification (germline): Likely benign. Review status: reviewed by expert panel (3 of 4 stars). 9 submissions from 9 submitters: Likely benign (1). 8 of the submissions do not count toward it. Last evaluated 2017-06-29.

Conditions:
BRCA2-related cancer predisposition. Identifiers: MedGen CN377758, MONDO:0700269.
Hereditary cancer-predisposing syndrome. Also called: Hereditary neoplastic syndrome; Neoplastic Syndromes, Hereditary; Hereditary Cancer Syndrome; Tumor predisposition. Identifiers: Orphanet 140162, MedGen C0027672, MeSH D009386, MONDO:0015356.
Hereditary breast ovarian cancer syndrome. Also called: Hereditary breast and ovarian cancer syndrome; Breast and ovarian cancer; BRCA1- and BRCA2-Associated Hereditary Breast and Ovarian Cancer; Hereditary breast and ovarian cancer syndrome (HBOC); Hereditary breast and/or ovarian cancer syndrome; Hereditary breast and ovarian cancer. Identifiers: Orphanet 145, MedGen C0677776, MeSH D061325, MONDO:0003582. Disease mechanism: loss of function.
Breast-ovarian cancer, familial, susceptibility to, 2 (BROVCA2). Also called: BRCA2 Hereditary Breast and Ovarian Cancer. Identifiers: Orphanet 145, MedGen C2675520, MONDO:0012933, OMIM 612555. Disease mechanism: loss of function.
Familial cancer of breast. Also called: Hereditary breast cancer; BREAST CANCER, FAMILIAL; hereditary breast carcinoma. Identifiers: Orphanet 227535, MedGen C0346153, MONDO:0016419, OMIM 114480. Disease mechanism: loss of function.

Allele frequency attached by ClinVar (database versions not stated): gnomAD exomes 0.00001; TOPMed 0.00001; ExAC 0.00002.
gnomAD v4.1: 9 of 1,614,112 alleles (0.00056%); highest among the groups gnomAD compares: Middle Eastern, 0.017%; no homozygotes.

Submissions (9):

Evidence-based Network for the Interpretation of Germline Mutant Alleles (ENIGMA)
Classification: Likely benign for Breast-ovarian cancer, familial, susceptibility to, 2. Last evaluated: 2017-06-29. Review status: reviewed by expert panel. Criteria: ENIGMA BRCA1/2 Classification Criteria (2017-06-29). Collection method: curation. Allele origin: germline.
Comment: Synonymous substitution variant, with low bioinformatic likelihood to result in a splicing aberration (Splicing prior probability 0.02).

CeGaT Center for Human Genetics Tuebingen
Classification: Likely benign. Last evaluated: 2026-07-01. Review status: criteria provided, single submitter. Criteria: CeGaT Center For Human Genetics Tuebingen Variant Classification Criteria Version 2. Collection method: clinical testing. Allele origin: germline. Affected: yes. Observed: 1 variant allele. Not counted in ClinVar's aggregate classification.
Comment: BRCA2: BP4, BP7

Labcorp Genetics (formerly Invitae), Labcorp
Classification: Likely benign for Hereditary breast ovarian cancer syndrome. Last evaluated: 2025-11-18. Review status: criteria provided, single submitter. Criteria: Invitae Variant Classification Sherloc (09022015). Collection method: clinical testing. Allele origin: germline. Not counted in ClinVar's aggregate classification.

All of Us Research Program, National Institutes of Health
Classification: Likely benign for BRCA2-related cancer predisposition. Last evaluated: 2024-02-22. Review status: criteria provided, single submitter. Criteria: ACMG Guidelines, 2015. Collection method: clinical testing. Allele origin: germline. Inheritance: Autosomal dominant inheritance. Observed: 2 variant alleles, 2 heterozygotes. Not counted in ClinVar's aggregate classification.
Comment: This study involves interpretation of variants in research participants for the purpose of population health screening. Participant phenotype was not available at the time of variant classification. Additional details can be found in publication PMID: 35346344, PMCID: PMC8962531

Department of Pathology and Laboratory Medicine, Sinai Health System
Classification: Likely benign for Familial cancer of breast; Breast-ovarian cancer, familial, susceptibility to, 2. Last evaluated: 2023-06-07. Review status: criteria provided, single submitter. Criteria: ACMG Guidelines, 2015. Collection method: clinical testing. Allele origin: germline. Affected: yes. Not counted in ClinVar's aggregate classification.

National Health Laboratory Service, Universitas Academic Hospital and University of the Free State
Classification: Likely benign for Hereditary breast ovarian cancer syndrome. Last evaluated: 2021-11-16. Review status: criteria provided, single submitter. Criteria: ACMG Guidelines, 2015. Collection method: clinical testing. Allele origin: germline. Affected: yes. Observed: 1 variant allele. Not counted in ClinVar's aggregate classification.

GeneDx
Classification: Likely benign. Last evaluated: 2019-10-08. Review status: criteria provided, single submitter. Criteria: GeneDx Variant Classification Process June 2021. Collection method: clinical testing. Allele origin: germline. Affected: yes. Not counted in ClinVar's aggregate classification.

Color Diagnostics, LLC DBA Color Health
Classification: Likely benign for Hereditary cancer-predisposing syndrome. Last evaluated: 2018-01-08. Review status: criteria provided, single submitter. Criteria: ACMG Guidelines, 2015. Collection method: clinical testing. Allele origin: germline. Not counted in ClinVar's aggregate classification.

Ambry Genetics
Classification: Likely benign for Hereditary cancer-predisposing syndrome. Last evaluated: 2017-04-19. Review status: criteria provided, single submitter. Criteria: Ambry Variant Classification Scheme 2023. Collection method: clinical testing. Allele origin: germline. Not counted in ClinVar's aggregate classification.

Literature cited by the submitters: DOI 10.3389/fgene.2022.834265 (cited by National Health Laboratory Service, Universitas Academic Hospital and University of the Free State).